The following is an entry in ClinVar:

ClinVar aggregate classification (germline): Pathogenic (1 of 4 stars; one submission).

Allele frequency attached by ClinVar (database versions not stated): TOPMed 0.00001.

Submission:

ARUP Laboratories, Molecular Genetics and Genomics, ARUP Laboratories
Classification: Pathogenic. Last evaluated: 2019-06-28. Review status: criteria provided, single submitter. Criteria: ARUP Molecular Germline Variant Investigation Process. Collection method: clinical testing. Allele origin: germline.
Comment: The F9 c.509G>A; p.Cys170Tyr variant, also published as Cys124Tyr as numbered from the mature protein, is reported in the medical literature in several individuals with hemophilia B (Belvini 2005, Giannelli 1994, Liu 2000, Mahajan 2007). This variant is absent from general population databases (Exome Variant Server, Genome Aggregation Database), indicating it is not a common polymorphism. Additionally, other variants in the same codon, p.Cys170Arg and p.Cys170Phe have also been described in individuals with hemophilia (Giannelli 1996). The cysteine at this position is highly conserved, in an EGF domain, and computational analyses (SIFT, PolyPhen-2) predict that this variant is deleterious. Considering available information, this variant is classified as pathogenic. References: Belvini D et al. Molecular genotyping of the Italian cohort of patients with hemophilia B. Haematologica. 2005 May;90(5):635-42. Giannelli F et al. Haemophilia B: database of point mutations and short additions and deletions, fifth edition, 1994. Nucleic Acids Res. 1994 Sep;22(17):3534-46. Giannelli F et al. Haemophilia B (sixth edition): a database of point mutations and short additions and deletions. Nucleic Acids Res. 1996 Jan 1;24(1):103-18. Liu JZ et al. The human factor IX gene as germline mutagen test: samples from Mainland China have the putatively endogenous pattern of mutation. Hum Mutat. 2000;16(1):31-6. Mahajan A et al. Allelic heterogeneity of molecular events in human coagulation factor IX in Asian Indians. Mutation in brief #965. Online. Hum Mutat. 2007 May;28(5):526.

NM_000133.4(F9):c.509G>A (p.Cys170Tyr)

Gene: F9 (coagulation factor IX; plus strand). Cytogenetic location: Xq27.1.
Variant type: single nucleotide variant.
Coding change: c.509G>A on transcript NM_000133.4 (MANE Select); coding-DNA position 509, G replaced by A.
Protein change: p.Cys170Tyr; replaces cysteine 170 with tyrosine.
Molecular consequence: missense variant.
Genome position (GRCh38, 1-based): chrX:139,548,480, G>A. VCF-style: chrX-139548480-G-A. GRCh37 (hg19) VCF-style: chrX-138630639-G-A.
Other names: c.395G>A, p.Cys132Tyr (NM_001313913.2); short protein forms C132Y, C170Y.
Identifiers: ClinVar variation 811517 (VCV000811517.8), dbSNP rs1603265500, ClinGen allele CA414439424.
Genomic context (GRCh38, chrX:139,548,480, plus strand): 5'-ATAACAAGGTGGTTTGCTCCTGTACTGAGGGATATCGACTTGCAGAAAACCAGAAGTCCT[G>A]TGAACCAGCAGGTCATAATCTGAATAAGATTTTTTAAAGAAAATCTGTATCTGAAACTTC-3'
Protein context (NP_000124.1, residues 160-180): GYRLAENQKS[Cys170Tyr]EPAVPFPCGR